The following is an entry in ClinVar:

ClinVar aggregate classification (germline): Uncertain significance. Review status: criteria provided, multiple submitters, no conflicts (2 of 4 stars). 5 submissions from 5 submitters: Uncertain significance (5). Last evaluated 2025-02-26.

Conditions:
Charcot-Marie-Tooth disease axonal type 2P. Also called: CHARCOT-MARIE-TOOTH DISEASE, AXONAL, TYPE 2G; CMT 2G; Charcot-Marie-Tooth Neuropathy Type 2G; CHARCOT-MARIE-TOOTH NEUROPATHY, TYPE 2P. Identifiers: Orphanet 300319, Orphanet 99941, MedGen C3280797, MONDO:0013753, OMIM 614436.
Inborn genetic diseases. Identifiers: MedGen C0950123, MeSH D030342.

Allele frequency attached by ClinVar (database versions not stated): TOPMed 0.00003.
gnomAD v4.1: 36 of 1,614,124 alleles (0.0022%); highest among the groups gnomAD compares: Non-Finnish European, 0.0027%; no homozygotes.

Submissions (5):

Labcorp Genetics (formerly Invitae), Labcorp
Classification: Uncertain significance for Charcot-Marie-Tooth disease axonal type 2P. Last evaluated: 2025-02-26. Review status: criteria provided, single submitter. Criteria: Invitae Variant Classification Sherloc (09022015). Collection method: clinical testing. Allele origin: germline.
Comment: This sequence change replaces proline, which is neutral and non-polar, with threonine, which is neutral and polar, at codon 215 of the LRSAM1 protein (p.Pro215Thr). This variant is present in population databases (rs765389102, gnomAD 0.004%). This variant has not been reported in the literature in individuals affected with LRSAM1-related conditions. ClinVar contains an entry for this variant (Variation ID: 365016). Invitae Evidence Modeling of protein sequence and biophysical properties (such as structural, functional, and spatial information, amino acid conservation, physicochemical variation, residue mobility, and thermodynamic stability) indicates that this missense variant is not expected to disrupt LRSAM1 protein function with a negative predictive value of 80%. In summary, the available evidence is currently insufficient to determine the role of this variant in disease. Therefore, it has been classified as a Variant of Uncertain Significance.

Ambry Genetics
Classification: Uncertain significance for Inborn genetic diseases. Last evaluated: 2022-10-11. Review status: criteria provided, single submitter. Criteria: Ambry Variant Classification Scheme 2023. Collection method: clinical testing. Allele origin: germline.
Comment: The c.643C>A (p.P215T) alteration is located in exon 10 (coding exon 9) of the LRSAM1 gene. This alteration results from a C to A substitution at nucleotide position 643, causing the proline (P) at amino acid position 215 to be replaced by a threonine (T). Based on data from the Genome Aggregation Database (gnomAD), the c.643C>A alteration was observed in 0.002% (7/282,884) of total alleles studied. This amino acid position is conserved in available vertebrate species. The alteration is predicted deleterious by in silico models:_x000D_ _x000D_ The p.P215T alteration is predicted to be probably damaging by Polyphen and deleterious by SIFT in silico analyses. Based on insufficient or conflicting evidence, the clinical significance of this alteration remains unclear.

Genetics and Molecular Pathology, SA Pathology
Classification: Uncertain significance for Charcot-Marie-Tooth disease axonal type 2P. Last evaluated: 2021-10-27. Review status: criteria provided, single submitter. Criteria: ACMG Guidelines, 2015. Collection method: clinical testing. Allele origin: germline. Affected: yes.
Comment: The LRSAM1 c.643C>A variant is classified as a VARIANT OF UNCERTAIN SIGNIFICANCE (PM2, PP3) This variant is a single nucleotide change from a cytosine to an adenine at position 643 which is predicted to change the proline at position 215 in the protein to threonine. The variant is in dbSNP (rs765389102) but is rare in population databases (gnomAD (v3.1.2) 3/152234, 0 homozygote) (PM2). The variant has been reported in ClinVar (ID#365016) as VUS, but is not presented in HGMD. Computational predictions support a deleterious effect on the gene or gene product (PP3).

CeGaT Center for Human Genetics Tuebingen
Classification: Uncertain significance. Last evaluated: 2019-09-01. Review status: criteria provided, single submitter. Criteria: CeGaT Center For Human Genetics Tuebingen Variant Classification Criteria Version 2. Collection method: clinical testing. Allele origin: germline. Affected: yes. Observed: 1 variant allele.

Illumina Laboratory Services, Illumina
Classification: Uncertain significance for Charcot-Marie-Tooth disease axonal type 2P. Last evaluated: 2018-01-13. Review status: criteria provided, single submitter. Criteria: ICSL Variant Classification Criteria 13 December 2019. Collection method: clinical testing. Allele origin: germline.

NM_001005373.4(LRSAM1):c.643C>A (p.Pro215Thr)

Gene: LRSAM1 (leucine rich repeat and sterile alpha motif containing 1; plus strand). Cytogenetic location: 9q33.3.
Variant type: single nucleotide variant.
Coding change: c.643C>A on transcript NM_001005373.4 (MANE Select); coding-DNA position 643, C replaced by A.
Protein change: p.Pro215Thr; replaces proline 215 with threonine.
Molecular consequence: missense variant. On other transcripts: 5 prime UTR variant (1), non-coding transcript variant (2).
Genome position (GRCh38, 1-based): chr9:127,473,824, C>A. VCF-style: chr9-127473824-C-A. GRCh37 (hg19) VCF-style: chr9-130236103-C-A.
Other names: c.643C>A, p.Pro215Thr (NM_001005374.4, NM_001190723.3, NM_001384142.1 and 2 more transcripts); c.-142C>A (NM_001384144.1); c.643C>A (NM_138361.4); short protein forms P215T.
Identifiers: ClinVar variation 365016 (VCV000365016.56), dbSNP rs765389102, ClinGen allele CA5246642.